The following is an entry in ClinVar:

NM_016507.4(CDK12):c.3455C>T (p.Ala1152Val)

Gene: CDK12 (cyclin dependent kinase 12; plus strand). Cytogenetic location: 17q12.
Variant type: single nucleotide variant.
Coding change: c.3455C>T on transcript NM_016507.4 (MANE Select); coding-DNA position 3455, C replaced by T.
Protein change: p.Ala1152Val; replaces alanine 1152 with valine.
Molecular consequence: missense variant.
Genome position (GRCh38, 1-based): chr17:39,526,011, C>T. VCF-style: chr17-39526011-C-T. GRCh37 (hg19) VCF-style: chr17-37682264-C-T.
Other names: c.3455C>T, p.Ala1152Val (NM_015083.4); short protein forms A1152V.
Identifiers: ClinVar variation 3999256 (VCV003999256.1).
Genomic context (GRCh38, chr17:39,526,011, plus strand): 5'-CTCAAATGGCACAGCTGCTTAACATCCACTCCAACCCAGAGATGCAGCAGCAGCTGGAAG[C>T]CCTGAACCAATCCATCAGTGCCCTGACGGAAGCTACTTCCCAGCAGCAGGACTCAGAGAC-3'
Protein context (NP_057591.2, residues 1142-1162): SNPEMQQQLE[Ala1152Val]LNQSISALTE

ClinVar aggregate classification (germline): Uncertain significance (1 of 4 stars; one submission).

gnomAD v4.1: 15 of 1,614,198 alleles (0.00093%); highest among the groups gnomAD compares: Non-Finnish European, 0.001%; no homozygotes.

Submission:

Ambry Genetics
Classification: Uncertain significance. Last evaluated: 2025-03-24. Review status: criteria provided, single submitter. Criteria: Ambry Variant Classification Scheme 2023. Collection method: clinical testing. Allele origin: germline.
Comment: The p.A1152V variant (also known as c.3455C>T), located in coding exon 13 of the CDK12 gene, results from a C to T substitution at nucleotide position 3455. The alanine at codon 1152 is replaced by valine, an amino acid with similar properties. This amino acid position is conserved. In addition, this alteration is predicted to be tolerated by in silico analysis. Based on the available evidence, the clinical significance of this variant remains unclear.